The following is an entry in ClinVar:

NM_017819.4(TRMT10C):c.362T>C (p.Met121Thr)

Gene: TRMT10C (tRNA methyltransferase 10C, mitochondrial RNase P subunit; plus strand). Cytogenetic location: 3q12.3.
Variant type: single nucleotide variant.
Coding change: c.362T>C on transcript NM_017819.4 (MANE Select); coding-DNA position 362, T replaced by C.
Protein change: p.Met121Thr; replaces methionine 121 with threonine.
Molecular consequence: missense variant.
Genome position (GRCh38, 1-based): chr3:101,565,143, T>C. VCF-style: chr3-101565143-T-C. GRCh37 (hg19) VCF-style: chr3-101283987-T-C.
Other names: c.362T>C (NM_017819.3); short protein forms M121T.
Identifiers: ClinVar variation 3633858 (VCV003633858.3).

ClinVar aggregate classification (germline): Conflicting classifications of pathogenicity. Review status: criteria provided, conflicting classifications (1 of 4 stars). 2 submissions from 2 submitters: Uncertain significance (1); Likely benign (1). Last evaluated 2025-10-20.

Conditions:
TRMT10C-related disorder. Also called: TRMT10C-related condition.

Submissions (2):

PreventionGenetics, part of Exact Sciences
Classification: Likely benign for TRMT10C-related condition. Last evaluated: 2025-10-20. Review status: criteria provided, single submitter. Criteria: ACMG Guidelines, 2015. Collection method: clinical testing. Allele origin: germline.
Comment: This variant is classified as likely benign based on ACMG/AMP sequence variant interpretation guidelines (Richards et al. 2015 PMID: 25741868, with internal and published modifications).

Labcorp Genetics (formerly Invitae), Labcorp
Classification: Uncertain significance. Last evaluated: 2025-06-13. Review status: criteria provided, single submitter. Criteria: Invitae Variant Classification Sherloc (09022015). Collection method: clinical testing. Allele origin: germline.
Comment: This sequence change replaces methionine, which is neutral and non-polar, with threonine, which is neutral and polar, at codon 121 of the TRMT10C protein (p.Met121Thr). This variant is present in population databases (rs151088339, gnomAD 0.2%), and has an allele count higher than expected for a pathogenic variant. This variant has not been reported in the literature in individuals affected with TRMT10C-related conditions. ClinVar contains an entry for this variant (Variation ID: 3633858). Invitae Evidence Modeling of protein sequence and biophysical properties (such as structural, functional, and spatial information, amino acid conservation, physicochemical variation, residue mobility, and thermodynamic stability) indicates that this missense variant is not expected to disrupt TRMT10C protein function with a negative predictive value of 80%. In summary, the available evidence is currently insufficient to determine the role of this variant in disease. Therefore, it has been classified as a Variant of Uncertain Significance.